The following is an entry in ClinVar:

NM_198253.3(TERT):c.1156T>A (p.Tyr386Asn)

Gene: TERT (telomerase reverse transcriptase; minus strand). Cytogenetic location: 5p15.33.
Variant type: single nucleotide variant.
Coding change: c.1156T>A on transcript NM_198253.3 (MANE Select); coding-DNA position 1156, T replaced by A.
Protein change: p.Tyr386Asn; replaces tyrosine 386 with asparagine.
Molecular consequence: missense variant. On other transcripts: non-coding transcript variant (2).
Genome position (GRCh38, 1-based): chr5:1,293,730, A>T on the plus strand (T>A on the coding strand, the complement: TERT is on the minus strand). VCF-style: chr5-1293730-A-T. GRCh37 (hg19) VCF-style: chr5-1293845-A-T.
Other names: c.1156T>A, p.Tyr386Asn (NM_001193376.3, NM_003219.1); short protein forms Y386N.
Identifiers: ClinVar variation 2941752 (VCV002941752.4), dbSNP rs2478413747, ClinGen allele CA359086714.

ClinVar aggregate classification (germline): Uncertain significance. Review status: criteria provided, multiple submitters, no conflicts (2 of 4 stars). 2 submissions from 2 submitters: Uncertain significance (2). Last evaluated 2023-08-02.

Conditions:
Idiopathic Pulmonary Fibrosis. Also called: Idiopathic fibrosing alveolitis, chronic form; idiopathic fibrosing alveolitis. Identifiers: Orphanet 2032, MedGen C1800706, MeSH D054990, MONDO:0800504.
Dyskeratosis congenita, autosomal dominant 2. Identifiers: MedGen C3151443, MONDO:0013521, OMIM 613989.
Dyskeratosis congenita. Identifiers: Orphanet 1775, MedGen C0265965, MONDO:0015780.

Submissions (2):

Ambry Genetics
Classification: Uncertain significance for Dyskeratosis congenita. Last evaluated: 2023-08-02. Review status: criteria provided, single submitter. Criteria: Ambry Variant Classification Scheme 2023. Collection method: clinical testing. Allele origin: germline.
Comment: The p.Y386N variant (also known as c.1156T>A), located in coding exon 2 of the TERT gene, results from a T to A substitution at nucleotide position 1156. The tyrosine at codon 386 is replaced by asparagine, an amino acid with dissimilar properties. This amino acid position is conserved. In addition, this alteration is predicted to be deleterious by in silico analysis. Since supporting evidence is limited at this time, the clinical significance of this alteration remains unclear.

Labcorp Genetics (formerly Invitae), Labcorp
Classification: Uncertain significance for Dyskeratosis congenita, autosomal dominant 2; Idiopathic Pulmonary Fibrosis. Last evaluated: 2022-11-23. Review status: criteria provided, single submitter. Criteria: Invitae Variant Classification Sherloc (09022015). Collection method: clinical testing. Allele origin: germline.
Comment: In summary, the available evidence is currently insufficient to determine the role of this variant in disease. Therefore, it has been classified as a Variant of Uncertain Significance. Advanced modeling of protein sequence and biophysical properties (such as structural, functional, and spatial information, amino acid conservation, physicochemical variation, residue mobility, and thermodynamic stability) performed at Invitae indicates that this missense variant is expected to disrupt TERT protein function. This variant has not been reported in the literature in individuals affected with TERT-related conditions. This variant is not present in population databases (gnomAD no frequency). This sequence change replaces tyrosine, which is neutral and polar, with asparagine, which is neutral and polar, at codon 386 of the TERT protein (p.Tyr386Asn).